The following is an entry in ClinVar:

ClinVar aggregate classification (germline): Pathogenic. Review status: criteria provided, multiple submitters, no conflicts (2 of 4 stars). 6 submissions from 6 submitters: Pathogenic (5). 1 of the submissions does not count toward it. Last evaluated 2026-06-15.

Conditions:
Metachromatic leukodystrophy (MLD). Also called: ARSA DEFICIENCY; CEREBROSIDE SULFATASE DEFICIENCY; METACHROMATIC LEUKOENCEPHALOPATHY; Cerebral sclerosis diffuse metachromatic form; Arylsulfatase A Deficiency; SULFATIDE LIPIDOSIS. Identifiers: Orphanet 512, MedGen C0023522, MONDO:0018868, OMIM 250100.

Submissions (6):

Victorian Clinical Genetics Services, Murdoch Childrens Research Institute
Classification: Pathogenic for Metachromatic leukodystrophy. Last evaluated: 2026-06-15. Review status: criteria provided, single submitter. Criteria: ACMG Guidelines, 2015. Collection method: clinical testing. Allele origin: germline. Affected: yes.
Comment: This variant is classified as Pathogenic. Evidence in support of pathogenic classification: Variant is predicted to cause nonsense-mediated decay (NMD) and loss of protein (premature termination codon is located at least 54 nucleotides upstream of the final exon-exon junction); Variant is absent from gnomAD (v2, v3 and v4); This variant has strong previous evidence of pathogenicity in unrelated individuals. This variant has been classified as likely pathogenic/pathogenic by clinical laboratories in ClinVar; Other NMD-predicted variant(s) comparable to the one identified in this case have very strong previous evidence for pathogenicity (DECIPHER). Additional information: This variant is heterozygous; This gene is associated with autosomal recessive disease; Loss of function is a known mechanism of disease in this gene and is associated with metachromatic leukodystrophy (MIM#250100); Heterozygous variant detected in trans with a second PATHOGENIC heterozygous variant (NM_000487.6(ARSA):c.240dup; p.(Gly81Argfs*53)) in a recessive disease.

Women's Health and Genetics/Laboratory Corporation of America, LabCorp
Classification: Pathogenic for Metachromatic leukodystrophy. Last evaluated: 2026-03-23. Review status: criteria provided, single submitter. Criteria: LabCorp Variant Classification Summary - May 2015. Collection method: clinical testing. Allele origin: germline.
Comment: Variant summary: ARSA c.877C>T (p.Arg293X) results in a premature termination codon, predicted to cause a truncation of the encoded protein or absence of the protein due to nonsense mediated decay, which are commonly known mechanisms for disease. The frequency data for this variant in gnomAD is considered unreliable, as metrics indicate poor data quality at this position. c.877C>T has been observed in at least one compound heterozygous individual(s) affected with Metachromatic Leukodystrophy. This individual carried a second truncating variant and showed ~16% of WT ARSA enzyme activity (e.g. Liaw_2015). The following publication has been ascertained in the context of this evaluation (PMID: 26553228). ClinVar contains an entry for this variant (Variation ID: 558645). Based on the evidence outlined above, the variant was classified as pathogenic.

Natera, Inc.
Classification: Pathogenic for Metachromatic leukodystrophy. Last evaluated: 2025-10-20. Review status: criteria provided, single submitter. Criteria: Natera Variant Classification Schema (03/2026). Collection method: clinical testing. Allele origin: germline.
Comment: The c.877C>T variant in ARSA is a nonsense variant predicted to introduce a stop codon at amino acid 293. This variant is expected to result in nonsense mediated decay, truncation, or a dysfunctional protein product. This variant is rare in the general population with a frequency below the threshold expected for the associated phenotype(s). This variant has been observed in one or more individuals affected with the associated recessive disease, as either homozygous or compound heterozygous with a second variant (PMID: 31069529, 26553228). Given the available evidence, this variant is classified as Pathogenic.

Labcorp Genetics (formerly Invitae), Labcorp
Classification: Pathogenic for Metachromatic leukodystrophy. Last evaluated: 2025-05-27. Review status: criteria provided, single submitter. Criteria: Invitae Variant Classification Sherloc (09022015). Collection method: clinical testing. Allele origin: germline.
Comment: This sequence change creates a premature translational stop signal (p.Arg293*) in the ARSA gene. It is expected to result in an absent or disrupted protein product. Loss-of-function variants in ARSA are known to be pathogenic (PMID: 8962139, 10477432). This variant is not present in population databases (gnomAD no frequency). This premature translational stop signal has been observed in individual(s) with metachromatic leukodystrophy (PMID: 26553228, 31069529). ClinVar contains an entry for this variant (Variation ID: 558645). For these reasons, this variant has been classified as Pathogenic.

Baylor Genetics
Classification: Pathogenic for Metachromatic leukodystrophy. Last evaluated: 2018-12-05. Review status: criteria provided, single submitter. Criteria: ACMG Guidelines, 2015. Collection method: clinical testing. Allele origin: maternal. Affected: yes.
Comment: This variant was determined to be pathogenic according to ACMG Guidelines, 2015 [PMID:25741868]. The c.877C>T (p.R293*) variant has been previously reported as disease-causing [PMID 26553228]

Counsyl
Classification: Likely pathogenic for Metachromatic leukodystrophy. Last evaluated: 2018-06-04. Review status: no assertion criteria provided. Collection method: clinical testing. Allele origin: unknown. Not counted in ClinVar's aggregate classification.

Literature cited by the submitters: PubMed 26553228 (cited by 5 submitters); PubMed 31069529 (cited by Natera, Inc. and Labcorp Genetics (formerly Invitae), Labcorp); PubMed 8962139 (cited by Labcorp Genetics (formerly Invitae), Labcorp); PubMed 10477432 (cited by Labcorp Genetics (formerly Invitae), Labcorp).

NM_000487.6(ARSA):c.877C>T (p.Arg293Ter)

Gene: ARSA (arylsulfatase A; minus strand). Cytogenetic location: 22q13.33.
Variant type: single nucleotide variant.
Coding change: c.877C>T on transcript NM_000487.6 (MANE Select); coding-DNA position 877, C replaced by T.
Protein change: p.Arg293Ter; replaces arginine 293 with a stop codon.
Molecular consequence: nonsense.
Genome position (GRCh38, 1-based): chr22:50,626,256, G>A on the plus strand (C>T on the coding strand, the complement: ARSA is on the minus strand). VCF-style: chr22-50626256-G-A. GRCh37 (hg19) VCF-style: chr22-51064684-G-A.
Other names: c.877C>T, p.Arg293Ter (NM_001085425.3, NM_001085426.3, NM_001085427.3); c.619C>T, p.Arg207Ter (NM_001085428.3, NM_001362782.2); short protein forms R293*, R207*.
Identifiers: ClinVar variation 558645 (VCV000558645.14), dbSNP rs1555900678, ClinGen allele CA412174968.